The following is an entry in ClinVar:

GRCh37/hg19 6q12-14.1(chr6:66523005-81798980)x1

Genes: ADGRB3 (adhesion G protein-coupled receptor B3; plus strand), B3GAT2 (beta-1,3-glucuronyltransferase 2; minus strand), BCKDHB (branched chain keto acid dehydrogenase E1 subunit beta; plus strand), CD109 (CD109 molecule; plus strand), CGAS (cyclic GMP-AMP synthase; minus strand) and 36 more. Cytogenetic location: 6q12-14.1.
Variant type: copy number loss.
Change: copy number 1 (one copy instead of two) of chr6:66,523,005-81,798,980 (15.28 Mb, GRCh37 coordinates, 1-based), cytogenetic band 6q12-14.1.
Identifiers: ClinVar variation 3391890 (VCV003391890.1).

ClinVar aggregate classification (germline): Pathogenic (1 of 4 stars; one submission).

Submission:

Quest Diagnostics Nichols Institute San Juan Capistrano
Classification: Pathogenic. Last evaluated: 2023-11-07. Review status: criteria provided, single submitter. Criteria: ACMG/ClinGen CNV Guidelines, 2019. Collection method: clinical testing. Allele origin: unknown.
Comment: This loss overlaps the proposed interstitial 6p deletion syndromic region, and involves numerous protein-coding genes, including PHIP (OMIM 612870). Haploinsufficiency of PHIP (CCID:007659 ) is associated with autosomal dominant Chung-Jansen syndrome (OMIM 617991). Deletions overlapping or falling within this region have been reported in association with a range of phenotypes (Becker 2012, Catena 2017, Engwerda 2008, Lespinasse 2009). There are no similar copy number losses of this region in the general populations of the Database of Genomic Variants. Thus, this copy number variant (CNV) is classified as pathogenic. References: Becker et al., Eur J Med Genet. 2012 Aug-Sep;55(8-9):490-7. PMID: 2256120;2 Catena et al., Mol Syndromol. 2017 Dec;9(1):15-21. PMID: 29456478; Engwerda et al., Eur J Hum Genet. 2018 Oct;26(10):1478-1489. PMID: 29904178; Lespinasse et al., Eur J Med Genet. 2009 Jan-Feb;52(1):49-52. PMID: 18992376